The following is an entry in ClinVar:

ClinVar aggregate classification (germline): Uncertain significance (1 of 4 stars; one submission).

Conditions:
Bethlem myopathy 1A. Also called: Bethlem myopathy 1; Bethlem Muscular Dystrophy; MYOPATHY, BENIGN CONGENITAL, WITH CONTRACTURES. Identifiers: Orphanet 610, MedGen CN029274, MONDO:0024530, OMIM 158810.

gnomAD v4.1: 2 of 1,612,756 alleles (0.00012%); no homozygotes.

Submission:

Labcorp Genetics (formerly Invitae), Labcorp
Classification: Uncertain significance for Bethlem myopathy 1A. Last evaluated: 2023-02-14. Review status: criteria provided, single submitter. Criteria: Invitae Variant Classification Sherloc (09022015). Collection method: clinical testing. Allele origin: germline.
Comment: This sequence change affects codon 51 of the COL6A2 mRNA. It is a 'silent' change, meaning that it does not change the encoded amino acid sequence of the COL6A2 protein. This variant is not present in population databases (gnomAD no frequency). This variant has not been reported in the literature in individuals affected with COL6A2-related conditions. Algorithms developed to predict the effect of sequence changes on RNA splicing suggest that this variant may create or strengthen a splice site. In summary, the available evidence is currently insufficient to determine the role of this variant in disease. Therefore, it has been classified as a Variant of Uncertain Significance.

NM_001849.4(COL6A2):c.153G>A (p.Leu51=)

Gene: COL6A2 (collagen type VI alpha 2 chain; plus strand). Cytogenetic location: 21q22.3.
Variant type: single nucleotide variant.
Coding change: c.153G>A on transcript NM_001849.4 (MANE Select); coding-DNA position 153, G replaced by A.
Protein change: p.Leu51=; no amino-acid change (leucine 51 retained).
Molecular consequence: synonymous variant.
Genome position (GRCh38, 1-based): chr21:46,112,016, G>A. VCF-style: chr21-46112016-G-A. GRCh37 (hg19) VCF-style: chr21-47531930-G-A.
Other names: c.153G>A, p.Leu51= (NM_058174.3, NM_058175.3).
Identifiers: ClinVar variation 2720633 (VCV002720633.3), dbSNP rs2516989138, ClinGen allele CA512725081.